The following is an entry in ClinVar:

NM_007194.4(CHEK2):c.240T>G (p.Pro80=)

Gene: CHEK2 (checkpoint kinase 2; minus strand). Cytogenetic location: 22q12.1.
Variant type: single nucleotide variant.
Coding change: c.240T>G on transcript NM_007194.4 (MANE Select); coding-DNA position 240, T replaced by G.
Protein change: p.Pro80=; no amino-acid change (proline 80 retained).
Molecular consequence: synonymous variant.
Genome position (GRCh38, 1-based): chr22:28,734,482, A>C on the plus strand (T>G on the coding strand, the complement: CHEK2 is on the minus strand). VCF-style: chr22-28734482-A-C. GRCh37 (hg19) VCF-style: chr22-29130470-A-C.
Other names: c.240T>G, p.Pro80= (NM_001005735.3, NM_001349956.3, NM_145862.3); c.-538T>G (NM_001257387.3).
Identifiers: ClinVar variation 240742 (VCV000240742.15), dbSNP rs878854918, ClinGen allele CA10583915.

ClinVar aggregate classification (germline): Benign/Likely benign. Review status: criteria provided, multiple submitters, no conflicts (2 of 4 stars). 4 submissions from 4 submitters: Benign (1); Likely benign (3). Last evaluated 2025-03-18.

Conditions:
Hereditary cancer-predisposing syndrome. Also called: Tumor predisposition; Neoplastic Syndromes, Hereditary; Hereditary Cancer Syndrome; Hereditary neoplastic syndrome. Identifiers: Orphanet 140162, MedGen C0027672, MeSH D009386, MONDO:0015356.
Familial cancer of breast. Also called: Hereditary breast cancer; BREAST CANCER, FAMILIAL; hereditary breast carcinoma. Identifiers: Orphanet 227535, MedGen C0346153, MONDO:0016419, OMIM 114480. Disease mechanism: loss of function.

Submissions (4):

Ambry Genetics
Classification: Likely benign for Hereditary cancer-predisposing syndrome. Last evaluated: 2025-03-18. Review status: criteria provided, single submitter. Criteria: Ambry Variant Classification Scheme 2023. Collection method: clinical testing. Allele origin: germline.

Myriad Genetics, Inc.
Classification: Benign for Familial cancer of breast. Last evaluated: 2024-10-01. Review status: criteria provided, single submitter. Criteria: Myriad Autosomal Dominant, Autosomal Recessive and X-Linked Classification Criteria (2023). Collection method: clinical testing. Allele origin: unknown.
Comment: This variant is considered benign. This variant is a silent/synonymous amino acid change and it is not expected to impact splicing.

Labcorp Genetics (formerly Invitae), Labcorp
Classification: Likely benign for Familial cancer of breast. Last evaluated: 2020-06-06. Review status: criteria provided, single submitter. Criteria: Invitae Variant Classification Sherloc (09022015). Collection method: clinical testing. Allele origin: germline.

Color Diagnostics, LLC DBA Color Health
Classification: Likely benign for Hereditary cancer-predisposing syndrome. Last evaluated: 2017-12-22. Review status: criteria provided, single submitter. Criteria: ACMG Guidelines, 2015. Collection method: clinical testing. Allele origin: germline.